The following is an entry in ClinVar:

ClinVar aggregate classification (germline): Benign (1 of 4 stars; one submission).

Allele frequency attached by ClinVar (database versions not stated): gnomAD 0.52496 and 0.52721; TOPMed 0.53500; 1000 Genomes Project 30x 0.55762; 1000 Genomes Project 0.55931.
gnomAD v4.1: 79,623 of 151,896 alleles (52%); highest among the groups gnomAD compares: African/African-American, 71%; 22,043 homozygotes.

Submission:

GeneDx
Classification: Benign. Last evaluated: 2018-06-18. Review status: criteria provided, single submitter. Criteria: GeneDx Variant Classification (06012015). Collection method: clinical testing. Allele origin: germline. Affected: yes.
Comment: This variant is considered likely benign or benign based on one or more of the following criteria: it is a conservative change, it occurs at a poorly conserved position in the protein, it is predicted to be benign by multiple in silico algorithms, and/or has population frequency not consistent with disease.

NM_000426.4(LAMA2):c.5866-336C>T

Gene: LAMA2 (laminin subunit alpha 2; plus strand). Cytogenetic location: 6q22.33.
Variant type: single nucleotide variant.
Coding change: c.5866-336C>T on transcript NM_000426.4 (MANE Select); 336 bases into the intron before coding-DNA position 5866, C replaced by T.
Molecular consequence: intron variant.
Genome position (GRCh38, 1-based): chr6:129,427,416, C>T. VCF-style: chr6-129427416-C-T. GRCh37 (hg19) VCF-style: chr6-129748561-C-T.
Other names: c.5866-336C>T (NM_001079823.2).
Identifiers: ClinVar variation 671757 (VCV000671757.1), dbSNP rs1986342, ClinGen allele CA12207975.
Genomic context (GRCh38, chr6:129,427,416, plus strand): 5'-CTGTAGCACGTCATAATGCTGCTCAGTTATGTCCTTACAACACCGCCAGTTATCATGCAT[C>T]GAGTCACTTCTGCATCTCTTAATTTCCATAGTGTTATGCTCTCCTAATTTCTCCTTTTCC-3'